The following is an entry in ClinVar:

ClinVar aggregate classification (germline): Uncertain significance (1 of 4 stars; one submission).

Conditions:
TTN-related disorder. Also called: TTN-related disorders; TTN-related condition; TTN-related disease.

gnomAD v4.1: 13 of 1,603,784 alleles (0.00081%); highest among the groups gnomAD compares: Admixed American, 0.021%; no homozygotes.

Submission:

PreventionGenetics, part of Exact Sciences
Classification: Uncertain significance for TTN-related condition. Last evaluated: 2026-08-14. Review status: criteria provided, single submitter. Criteria: ACMG Guidelines, 2015. Collection method: clinical testing. Allele origin: germline.
Comment: The TTN c.87124C>T variant is predicted to result in the amino acid substitution p.Pro29042Ser. To our knowledge, this variant has not been reported in the literature. This variant is reported in 0.038% of alleles in individuals of Latino descent in gnomAD. At this time, the clinical significance of this variant is uncertain due to the absence of conclusive functional and genetic evidence.

NM_001267550.2(TTN):c.87124C>T (p.Pro29042Ser)

Genes: TTN (titin; minus strand), TTN-AS1 (TTN antisense RNA 1; plus strand). Cytogenetic location: 2q31.2.
Variant type: single nucleotide variant.
Coding change: c.87124C>T on transcript NM_001267550.2 (MANE Select); coding-DNA position 87124, C replaced by T.
Protein change: p.Pro29042Ser; replaces proline 29042 with serine.
Molecular consequence: missense variant.
Genome position (GRCh38, 1-based): chr2:178,558,230, G>A on the plus strand (C>T on the coding strand, the complement: TTN is on the minus strand). VCF-style: chr2-178558230-G-A. GRCh37 (hg19) VCF-style: chr2-179422957-G-A.
Other names: c.82201C>T, p.Pro27401Ser (NM_001256850.1); c.59929C>T, p.Pro19977Ser (NM_003319.4); c.79420C>T, p.Pro26474Ser (NM_133378.4); c.60304C>T, p.Pro20102Ser (NM_133432.3); c.60505C>T, p.Pro20169Ser (NM_133437.4); short protein forms P19977S, P27401S, P20102S, P20169S, P26474S, P29042S.
Identifiers: ClinVar variation 4981482 (VCV004981482.1).